The following is an entry in ClinVar:

ClinVar aggregate classification (germline): Conflicting classifications of pathogenicity. Review status: criteria provided, conflicting classifications (1 of 4 stars). 2 submissions from 2 submitters: Uncertain significance (1); Likely benign (1). Last evaluated 2025-09-16.

Conditions:
Cardiovascular phenotype. Identifiers: MedGen CN230736.

Allele frequency attached by ClinVar (database versions not stated): gnomAD 0.00001; TOPMed 0.00001.

Submissions (2):

Ambry Genetics
Classification: Likely benign for Cardiovascular phenotype. Last evaluated: 2025-09-16. Review status: criteria provided, single submitter. Criteria: Ambry Variant Classification Scheme 2023. Collection method: clinical testing. Allele origin: germline.

Labcorp Genetics (formerly Invitae), Labcorp
Classification: Uncertain significance. Last evaluated: 2024-09-23. Review status: criteria provided, single submitter. Criteria: Invitae Variant Classification Sherloc (09022015). Collection method: clinical testing. Allele origin: germline.
Comment: This sequence change replaces threonine, which is neutral and polar, with serine, which is neutral and polar, at codon 780 of the ALPK3 protein (p.Thr780Ser). This variant is present in population databases (no rsID available, gnomAD 0.0009%). This variant has not been reported in the literature in individuals affected with ALPK3-related conditions. ClinVar contains an entry for this variant (Variation ID: 1789812). An algorithm developed to predict the effect of missense changes on protein structure and function outputs the following: PolyPhen-2: "Benign". The serine amino acid residue is found in multiple mammalian species, which suggests that this missense change does not adversely affect protein function. In summary, the available evidence is currently insufficient to determine the role of this variant in disease. Therefore, it has been classified as a Variant of Uncertain Significance.

NM_020778.5(ALPK3):c.1733C>G (p.Thr578Ser)

Gene: ALPK3 (alpha kinase 3; plus strand). Cytogenetic location: 15q25.3.
Variant type: single nucleotide variant.
Coding change: c.1733C>G on transcript NM_020778.5 (MANE Select); coding-DNA position 1733, C replaced by G.
Protein change: p.Thr578Ser; replaces threonine 578 with serine.
Molecular consequence: missense variant.
Genome position (GRCh38, 1-based): chr15:84,856,471, C>G. VCF-style: chr15-84856471-C-G. GRCh37 (hg19) VCF-style: chr15-85399702-C-G.
Other names: short protein forms T578S.
Identifiers: ClinVar variation 1789812 (VCV001789812.6), dbSNP rs1335330614, ClinGen allele CA393354401.
Genomic context (GRCh38, chr15:84,856,471, plus strand): 5'-CCACGGCTCCTACCATGTCGGCCAGCAGCAGCTCTGATGTAGCCTCCATTGGGGTTAGCA[C>G]TTCCGGAAGTCAAGGTATCATTGAACCCATGGATATGGAAACCCAGGAGGATGGGAGAAC-3'
Protein context (NP_065829.4, residues 568-588): SSDVASIGVS[Thr578Ser]SGSQGIIEPM